The following is an entry in ClinVar:

NM_000142.5(FGFR3):c.1411dup (p.Arg471fs)

Gene: FGFR3 (fibroblast growth factor receptor 3; plus strand). Cytogenetic location: 4p16.3.
Variant type: Duplication.
Coding change: c.1411dup on transcript NM_000142.5 (MANE Select); coding-DNA position 1411, one base duplicated (C; older notation c.1411dupC).
Protein change: p.Arg471fs; shifts the reading frame from arginine 471.
Molecular consequence: frameshift variant. On other transcripts: non-coding transcript variant (1).
Genome position (GRCh38, 1-based): chr4:1,804,968, C duplicated; the last of 3 consecutive C bases (chr4:1,804,966-1,804,968); duplicating any one gives the same sequence. VCF-style (leftmost placement, unchanged base first): chr4-1804965-G-GC. GRCh37 (hg19) VCF-style: chr4-1806692-G-GC.
Other names: c.1417dup, p.Arg473fs (NM_001163213.2); c.1414dup, p.Arg472fs (NM_001354809.2, NM_001354810.2); c.1075dup, p.Arg359fs (NM_022965.4); c.1411dupC (NM_000142.4); short protein forms R359fs, R471fs, R472fs, R473fs.
Identifiers: ClinVar variation 1723235 (VCV001723235.1), dbSNP rs2546825697, ClinGen allele CA2580070691.

ClinVar aggregate classification (germline): Uncertain significance (1 of 4 stars; one submission).

Submission:

Women's Health and Genetics/Laboratory Corporation of America, LabCorp
Classification: Uncertain significance. Last evaluated: 2022-10-05. Review status: criteria provided, single submitter. Criteria: LabCorp Variant Classification Summary - May 2015. Collection method: clinical testing. Allele origin: germline.
Comment: Variant summary: FGFR3 c.1411dupC (p.Arg471ProfsX25) results in a premature termination codon, predicted to cause a truncation of the encoded protein or absence of the protein due to nonsense mediated decay, which are commonly known mechanisms for disease. No truncations in this gene are reported in individuals affected with Achondroplasia (HGMD), and current evidence is insufficient to establish whether loss of function variants in the FGFR3 gene cause disease. The variant is also located close to a canonical splice-site, therefore could affect splicing: 4/4 computational tools predict no significant impact on normal splicing. However, these predictions have yet to be confirmed by functional studies. The variant was absent in 156204 control chromosomes (gnomAD). The available data on variant occurrences in the general population are insufficient to allow any conclusion about variant significance. To our knowledge, no occurrence of c.1411dupC in individuals affected with Achondroplasia and no experimental evidence demonstrating its impact on protein function have been reported. No clinical diagnostic laboratories have submitted clinical-significance assessments for this variant to ClinVar after 2014. Based on the evidence outlined above, the variant was classified as uncertain significance.